The following is an entry in ClinVar:

ClinVar aggregate classification (germline): Uncertain significance (1 of 4 stars; one submission).

Allele frequency attached by ClinVar (database versions not stated): gnomAD exomes below 0.00001; TOPMed below 0.00001; gnomAD 0.00001.
gnomAD v4.1: 4 of 1,613,476 alleles (0.00025%); highest among the groups gnomAD compares: Non-Finnish European, 0.00025%; no homozygotes.

Submission:

Labcorp Genetics (formerly Invitae), Labcorp
Classification: Uncertain significance. Last evaluated: 2023-05-26. Review status: criteria provided, single submitter. Criteria: Invitae Variant Classification Sherloc (09022015). Collection method: clinical testing. Allele origin: germline.
Comment: In summary, the available evidence is currently insufficient to determine the role of this variant in disease. Therefore, it has been classified as a Variant of Uncertain Significance. This sequence change replaces serine, which is neutral and polar, with cysteine, which is neutral and slightly polar, at codon 827 of the ITGAM protein (p.Ser827Cys). This variant is not present in population databases (gnomAD no frequency). This variant has not been reported in the literature in individuals affected with ITGAM-related conditions. An algorithm developed to predict the effect of missense changes on protein structure and function (PolyPhen-2) suggests that this variant is likely to be tolerated.

NM_000632.4(ITGAM):c.2480C>G (p.Ser827Cys)

Gene: ITGAM (integrin subunit alpha M; plus strand). Cytogenetic location: 16p11.2.
Variant type: single nucleotide variant.
Coding change: c.2480C>G on transcript NM_000632.4 (MANE Select); coding-DNA position 2480, C replaced by G.
Protein change: p.Ser827Cys; replaces serine 827 with cysteine.
Molecular consequence: missense variant.
Genome position (GRCh38, 1-based): chr16:31,325,379, C>G. VCF-style: chr16-31325379-C-G. GRCh37 (hg19) VCF-style: chr16-31336700-C-G.
Other names: c.2483C>G, p.Ser828Cys (NM_001145808.2); short protein forms S828C, S827C.
Identifiers: ClinVar variation 2871440 (VCV002871440.3), dbSNP rs1355196287, ClinGen allele CA395691391.